The following is an entry in ClinVar:

NM_130837.3(OPA1):c.2019A>T (p.Glu673Asp)

Gene: OPA1 (OPA1 mitochondrial dynamin like GTPase; plus strand). Cytogenetic location: 3q29.
Variant type: single nucleotide variant.
Coding change: c.2019A>T on transcript NM_130837.3 (MANE Select); coding-DNA position 2019, A replaced by T.
Protein change: p.Glu673Asp; replaces glutamic acid 673 with aspartic acid.
Molecular consequence: missense variant.
Genome position (GRCh38, 1-based): chr3:193,654,868, A>T. VCF-style: chr3-193654868-A-T. GRCh37 (hg19) VCF-style: chr3-193372657-A-T.
Other names: c.1485A>T, p.Glu495Asp (NM_001354663.2); c.1482A>T, p.Glu494Asp (NM_001354664.2); c.1854A>T, p.Glu618Asp (NM_015560.3); c.1746A>T, p.Glu582Asp (NM_130831.3); c.1800A>T, p.Glu600Asp (NM_130832.3); c.1857A>T, p.Glu619Asp (NM_130833.3); c.1908A>T, p.Glu636Asp (NM_130834.3); c.1911A>T, p.Glu637Asp (NM_130835.3); and 1 more; short protein forms E494D, E495D, E582D, E600D, E618D, E619D, E636D, E637D.
Identifiers: ClinVar variation 5041845 (VCV005041845.1).

ClinVar aggregate classification (germline): Uncertain significance (1 of 4 stars; one submission).

Submission:

CeGaT Center for Human Genetics Tuebingen
Classification: Uncertain significance. Last evaluated: 2026-09-01. Review status: criteria provided, single submitter. Criteria: CeGaT Center For Human Genetics Tuebingen Variant Classification Criteria Version 2. Collection method: clinical testing. Allele origin: germline. Affected: yes. Observed: 1 variant allele.
Comment: OPA1: PM2, PM1:Supporting